The following is an entry in ClinVar:

NM_020738.4(KIDINS220):c.641G>T (p.Gly214Val)

Gene: KIDINS220 (kinase D interacting substrate 220; minus strand). Cytogenetic location: 2p25.1.
Variant type: single nucleotide variant.
Coding change: c.641G>T on transcript NM_020738.4 (MANE Select); coding-DNA position 641, G replaced by T.
Protein change: p.Gly214Val; replaces glycine 214 with valine.
Molecular consequence: missense variant. On other transcripts: non-coding transcript variant (2).
Genome position (GRCh38, 1-based): chr2:8,803,090, C>A on the plus strand (G>T on the coding strand, the complement: KIDINS220 is on the minus strand). VCF-style: chr2-8803090-C-A. GRCh37 (hg19) VCF-style: chr2-8943220-C-A.
Other names: c.644G>T, p.Gly215Val (NM_001348729.2, NM_001348731.2, NM_001348734.2 and 3 more transcripts); c.641G>T, p.Gly214Val (NM_001348732.2, NM_001348735.2, NM_001348738.2 and 3 more transcripts); c.515G>T, p.Gly172Val (NM_001348736.2); short protein forms G172V, G214V, G215V.
Identifiers: ClinVar variation 3347553 (VCV003347553.1).

ClinVar aggregate classification (germline): Uncertain significance (0 of 4 stars; one submission).

Conditions:
KIDINS220-related disorder. Also called: KIDINS220-related condition.

Submission:

PreventionGenetics, part of Exact Sciences
Classification: Uncertain significance for KIDINS220-related condition. Last evaluated: 2024-08-23. Review status: no assertion criteria provided. Collection method: clinical testing. Allele origin: germline.
Comment: The KIDINS220 c.641G>T variant is predicted to result in the amino acid substitution p.Gly214Val. To our knowledge, this variant has not been reported in the literature or in a large population database, indicating this variant is rare. At this time, the clinical significance of this variant is uncertain due to the absence of conclusive functional and genetic evidence.